The following is an entry in ClinVar:

NM_001128228.3(TPRN):c.817G>A (p.Ala273Thr)

Gene: TPRN (taperin; minus strand). Cytogenetic location: 9q34.3.
Variant type: single nucleotide variant.
Coding change: c.817G>A on transcript NM_001128228.3 (MANE Select); coding-DNA position 817, G replaced by A.
Protein change: p.Ala273Thr; replaces alanine 273 with threonine.
Molecular consequence: missense variant.
Genome position (GRCh38, 1-based): chr9:137,199,895, C>T on the plus strand (G>A on the coding strand, the complement: TPRN is on the minus strand). VCF-style: chr9-137199895-C-T. GRCh37 (hg19) VCF-style: chr9-140094347-C-T.
Other names: short protein forms A273T.
Identifiers: ClinVar variation 3900468 (VCV003900468.1).

ClinVar aggregate classification (germline): Uncertain significance (1 of 4 stars; one submission).

gnomAD v4.1: 2 of 1,233,856 alleles (0.00016%); no homozygotes.

Submission:

GeneDx
Classification: Uncertain significance. Last evaluated: 2024-11-20. Review status: criteria provided, single submitter. Criteria: GeneDx Variant Classification Process June 2021. Collection method: clinical testing. Allele origin: germline. Affected: yes.
Comment: Not observed at significant frequency in large population cohorts (gnomAD); In silico analysis indicates that this missense variant does not alter protein structure/function